The following is an entry in ClinVar:

ClinVar aggregate classification (germline): Uncertain significance (1 of 4 stars; one submission).

Submission:

GeneDx
Classification: Uncertain significance. Last evaluated: 2022-07-03. Review status: criteria provided, single submitter. Criteria: GeneDx Variant Classification Process June 2021. Collection method: clinical testing. Allele origin: germline. Affected: yes.
Comment: Has not been previously published as pathogenic or benign to our knowledge; Not observed at significant frequency in large population cohorts (gnomAD); In silico analysis supports that this missense variant has a deleterious effect on protein structure/function

NM_139027.6(ADAMTS13):c.3623C>T (p.Ser1208Phe)

Gene: ADAMTS13 (ADAM metallopeptidase with thrombospondin type 1 motif 13; plus strand). Cytogenetic location: 9q34.2.
Variant type: single nucleotide variant.
Coding change: c.3623C>T on transcript NM_139027.6 (MANE Select); coding-DNA position 3623, C replaced by T.
Protein change: p.Ser1208Phe; replaces serine 1208 with phenylalanine.
Molecular consequence: missense variant. On other transcripts: non-coding transcript variant (1).
Genome position (GRCh38, 1-based): chr9:133,456,618, C>T. VCF-style: chr9-133456618-C-T. GRCh37 (hg19) VCF-style: chr9-136321740-C-T.
Other names: c.3791C>T, p.Ser1264Phe (NM_139025.5); c.3530C>T, p.Ser1177Phe (NM_139026.6); short protein forms S1208F, S1177F, S1264F.
Identifiers: ClinVar variation 1810431 (VCV001810431.1), dbSNP rs2490509334, ClinGen allele CA375417336.